The following is an entry in ClinVar:

ClinVar aggregate classification (germline): Pathogenic (1 of 4 stars; one submission).

Submission:

Labcorp Genetics (formerly Invitae), Labcorp
Classification: Pathogenic. Last evaluated: 2023-02-22. Review status: criteria provided, single submitter. Criteria: Invitae Variant Classification Sherloc (09022015). Collection method: clinical testing. Allele origin: germline.
Comment: For these reasons, this variant has been classified as Pathogenic. This variant has not been reported in the literature in individuals affected with CYP11A1-related conditions. This variant is not present in population databases (gnomAD no frequency). This sequence change creates a premature translational stop signal (p.Gly326*) in the CYP11A1 gene. It is expected to result in an absent or disrupted protein product. Loss-of-function variants in CYP11A1 are known to be pathogenic (PMID: 15507506, 22435390, 27855232, 229968487).

Literature cited by the submitters: PubMed 15507506; PubMed 22435390; PubMed 27855232; PubMed 229968487.

NM_000781.3(CYP11A1):c.976G>T (p.Gly326Ter)

Gene: CYP11A1 (cytochrome P450 family 11 subfamily A member 1; minus strand). Cytogenetic location: 15q24.1.
Variant type: single nucleotide variant.
Coding change: c.976G>T on transcript NM_000781.3 (MANE Select); coding-DNA position 976, G replaced by T.
Protein change: p.Gly326Ter; replaces glycine 326 with a stop codon.
Molecular consequence: nonsense.
Genome position (GRCh38, 1-based): chr15:74,342,991, C>A on the plus strand (G>T on the coding strand, the complement: CYP11A1 is on the minus strand). VCF-style: chr15-74342991-C-A. GRCh37 (hg19) VCF-style: chr15-74635332-C-A.
Other names: c.502G>T, p.Gly168Ter (NM_001099773.2); short protein forms G326*, G168*.
Identifiers: ClinVar variation 2839944 (VCV002839944.2), dbSNP rs2548330553, ClinGen allele CA393147780.
Genomic context (GRCh38, chr15:74,342,991, plus strand): 5'-CGTGGGCACAGGGGGCAACAAGGTGCCGCCCCTACAGCCACCTCACCGTGTCCACCCCTC[C>A]TGCCAGCATCTCTGTGACGTTGGCCTTGATGTCCTCGAAGGACATCTTGCTGTCTCCCAG-3'